The following is an entry in ClinVar:

NM_000478.6(ALPL):c.*337A>G

Gene: ALPL (alkaline phosphatase, biomineralization associated; plus strand). Cytogenetic location: 1p36.12.
Variant type: single nucleotide variant.
Coding change: c.*337A>G on transcript NM_000478.6 (MANE Select); 337 bases downstream of the stop codon, A replaced by G.
Molecular consequence: 3 prime UTR variant.
Genome position (GRCh38, 1-based): chr1:21,577,985, A>G. VCF-style: chr1-21577985-A-G. GRCh37 (hg19) VCF-style: chr1-21904478-A-G.
Other names: c.*337A>G (NM_001127501.4, NM_001177520.3, NM_001369803.2 and 2 more transcripts).
Identifiers: ClinVar variation 875762 (VCV000875762.4), dbSNP rs538549134, ClinGen allele CA19072905.

ClinVar aggregate classification (germline): Likely benign (1 of 4 stars; one submission).

Conditions:
Hypophosphatasia. Also called: Phosphoethanol-aminuria. Identifiers: Orphanet 436, MedGen C0020630, MeSH D007014, MONDO:0018570.

Allele frequency attached by ClinVar (database versions not stated): gnomAD exomes 0.00010; gnomAD 0.00094 and 0.00098; TOPMed 0.00097; 1000 Genomes Project 30x 0.00109; 1000 Genomes Project 0.00120.
gnomAD v4.1: 172 of 420,724 alleles (0.041%); highest among the groups gnomAD compares: African/African-American, 0.3%; no homozygotes.

Submission:

Illumina Laboratory Services, Illumina
Classification: Likely benign for Hypophosphatasia. Last evaluated: 2018-01-13. Review status: criteria provided, single submitter. Criteria: ICSL Variant Classification Criteria 13 December 2019. Collection method: clinical testing. Allele origin: germline.
Comment: This variant was observed in the ICSL laboratory as part of a predisposition screen in an ostensibly healthy population. It had not been previously curated by ICSL or reported in the Human Gene Mutation Database (HGMD: prior to June 1st, 2018), and was therefore a candidate for classification through an automated scoring system. Utilizing variant allele frequency, disease prevalence and penetrance estimates, and inheritance mode, an automated score was calculated to assess if this variant is too frequent to cause the disease. Based on the score and internal cut-off values, a variant classified as likely benign is not then subjected to further curation. The score for this variant resulted in a classification of likely benign for this disease.